The following is an entry in ClinVar:

ClinVar aggregate classification (germline): Uncertain significance. Review status: criteria provided, multiple submitters, no conflicts (2 of 4 stars). 3 submissions from 3 submitters: Uncertain significance (3). Last evaluated 2025-11-15.

Conditions:
Hypertrophic cardiomyopathy 26. Also called: Cardiomyopathy, familial hypertrophic, 26. Identifiers: Orphanet 75249, MedGen C4310749, MONDO:0014883, OMIM 617047.
Myofibrillar myopathy 5. Also called: Filaminopathy (type); FILAMINOPATHY, AUTOSOMAL DOMINANT. Identifiers: Orphanet 171445, MedGen C1836050, MONDO:0012289, OMIM 609524.
Distal myopathy with posterior leg and anterior hand involvement. Also called: WILLIAMS DISTAL MYOPATHY. Identifiers: Orphanet 63273, MedGen C3279722, MONDO:0013550, OMIM 614065.
Cardiovascular phenotype. Identifiers: MedGen CN230736.

gnomAD v4.1: 3 of 1,613,800 alleles (0.00019%); highest among the groups gnomAD compares: Non-Finnish European, 0.00025%; no homozygotes.

Submissions (3):

Ambry Genetics
Classification: Uncertain significance for Cardiovascular phenotype. Last evaluated: 2025-11-15. Review status: criteria provided, single submitter. Criteria: Ambry Variant Classification Scheme 2023. Collection method: clinical testing. Allele origin: germline.
Comment: The p.I658V variant (also known as c.1972A>G), located in coding exon 12 of the FLNC gene, results from an A to G substitution at nucleotide position 1972. The isoleucine at codon 658 is replaced by valine, an amino acid with highly similar properties. This amino acid position is conserved. In addition, this alteration is predicted to be tolerated by in silico analysis. Based on the available evidence, the clinical significance of this variant remains unclear.

Blueprint Genetics
Classification: Uncertain significance. Last evaluated: 2024-10-24. Review status: criteria provided, single submitter. Criteria: ACMG Guidelines, 2015. Collection method: clinical testing. Allele origin: germline.

Labcorp Genetics (formerly Invitae), Labcorp
Classification: Uncertain significance for Distal myopathy with posterior leg and anterior hand involvement; Myofibrillar myopathy 5; Hypertrophic cardiomyopathy 26. Last evaluated: 2024-10-10. Review status: criteria provided, single submitter. Criteria: Invitae Variant Classification Sherloc (09022015). Collection method: clinical testing. Allele origin: germline.
Comment: This sequence change replaces isoleucine, which is neutral and non-polar, with valine, which is neutral and non-polar, at codon 658 of the FLNC protein (p.Ile658Val). This variant is present in population databases (no rsID available, gnomAD 0.007%). This variant has not been reported in the literature in individuals affected with FLNC-related conditions. Invitae Evidence Modeling of protein sequence and biophysical properties (such as structural, functional, and spatial information, amino acid conservation, physicochemical variation, residue mobility, and thermodynamic stability) has been performed for this missense variant. However, the output from this modeling did not meet the statistical confidence thresholds required to predict the impact of this variant on FLNC protein function. In summary, the available evidence is currently insufficient to determine the role of this variant in disease. Therefore, it has been classified as a Variant of Uncertain Significance.

NM_001458.5(FLNC):c.1972A>G (p.Ile658Val)

Gene: FLNC (filamin C; plus strand). Cytogenetic location: 7q32.1.
Variant type: single nucleotide variant.
Coding change: c.1972A>G on transcript NM_001458.5 (MANE Select); coding-DNA position 1972, A replaced by G.
Protein change: p.Ile658Val; replaces isoleucine 658 with valine.
Molecular consequence: missense variant.
Genome position (GRCh38, 1-based): chr7:128,841,328, A>G. VCF-style: chr7-128841328-A-G. GRCh37 (hg19) VCF-style: chr7-128481382-A-G.
Other names: c.1972A>G, p.Ile658Val (NM_001127487.2); short protein forms I658V.
Identifiers: ClinVar variation 3761212 (VCV003761212.4).